The following is an entry in ClinVar:

ClinVar aggregate classification (germline): Uncertain significance (1 of 4 stars; one submission).

Conditions:
Neurodevelopmental disorder with movement abnormalities, abnormal gait, and autistic features. Identifiers: MedGen C4693405, MONDO:0060642, OMIM 617865.

Allele frequency attached by ClinVar (database versions not stated): gnomAD 0.00001; 1000 Genomes Project 30x 0.00016.
gnomAD v4.1: 5 of 1,168,440 alleles (0.00043%); highest among the groups gnomAD compares: South Asian, 0.017%; no homozygotes.

Submission:

Neuberg Centre For Genomic Medicine, NCGM
Classification: Uncertain significance for Neurodevelopmental disorder with movement abnormalities, abnormal gait, and autistic features. Review status: criteria provided, single submitter. Criteria: ACMG Guidelines, 2015. Collection method: clinical testing. Allele origin: germline. Inheritance: Autosomal dominant inheritance. Affected: yes.
Comment: The missense c.28C>A(p.Pro10Thr) variant in ZSWIM6 gene has not been reported previously as a pathogenic variant nor as a benign variant, to our knowledge. The p.Pro10Thr variant is absent in gnomAD Exomes and 1000 Genomes database. This variant has not been reported to the ClinVar database. The amino acid Pro at position 10 is changed to a Thr changing protein sequence and it might alter its composition and physico-chemical properties. The amino acid change p.Pro10Thr in ZSWIM6 is predicted as conserved by GERP++ and PhyloP across 100 vertebrates. For these reasons, this variant has been classified as Variant of Uncertain Significance (VUS).

NM_020928.2(ZSWIM6):c.28C>A (p.Pro10Thr)

Gene: ZSWIM6 (zinc finger SWIM-type containing 6; plus strand). Cytogenetic location: 5q12.1.
Variant type: single nucleotide variant.
Coding change: c.28C>A on transcript NM_020928.2 (MANE Select); coding-DNA position 28, C replaced by A.
Protein change: p.Pro10Thr; replaces proline 10 with threonine.
Molecular consequence: missense variant.
Genome position (GRCh38, 1-based): chr5:61,332,300, C>A. VCF-style: chr5-61332300-C-A. GRCh37 (hg19) VCF-style: chr5-60628127-C-A.
Other names: short protein forms P10T.
Identifiers: ClinVar variation 3242188 (VCV003242188.1), dbSNP rs1744264232.